The following is an entry in ClinVar:

NM_001065.4(TNFRSF1A):c.605T>A (p.Val202Asp)

Gene: TNFRSF1A (TNF receptor superfamily member 1A; minus strand). Cytogenetic location: 12p13.31.
Variant type: single nucleotide variant.
Coding change: c.605T>A on transcript NM_001065.4 (MANE Select); coding-DNA position 605, T replaced by A.
Protein change: p.Val202Asp; replaces valine 202 with aspartic acid.
Molecular consequence: missense variant.
Genome position (GRCh38, 1-based): chr12:6,330,873, A>T on the plus strand (T>A on the coding strand, the complement: TNFRSF1A is on the minus strand). VCF-style: chr12-6330873-A-T. GRCh37 (hg19) VCF-style: chr12-6440039-A-T.
Other names: c.281T>A, p.Val94Asp (NM_001346091.2); c.146T>A, p.Val49Asp (NM_001346092.2); short protein forms V202D, V49D, V94D.
Identifiers: ClinVar variation 97711 (VCV000097711.8), dbSNP rs104895285, ClinGen allele CA280880.

ClinVar aggregate classification (germline): Uncertain significance. Review status: criteria provided, single submitter (1 of 4 stars). 2 submissions from 2 submitters: Uncertain significance (1). 1 of the submissions does not count toward it. Last evaluated 2024-05-09.

Conditions:
TNF receptor-associated periodic fever syndrome (TRAPS) (FPF). Also called: Autosomal Dominant Familial Periodic Fever; TNF RECEPTOR-ASSOCIATED PERIODIC SYNDROME; TUMOR NECROSIS FACTOR RECEPTOR-ASSOCIATED PERIODIC SYNDROME; TNF Receptor-Associated Periodic Fever Syndrome; FAMILIAL HIBERNIAN FEVER; TNF receptor 1-associated periodic fever syndrome. Identifiers: Orphanet 32960, MedGen C1275126, MONDO:0007727, OMIM 142680.

Submissions (2):

Labcorp Genetics (formerly Invitae), Labcorp
Classification: Uncertain significance for TNF receptor-associated periodic fever syndrome (TRAPS). Last evaluated: 2024-05-09. Review status: criteria provided, single submitter. Criteria: Invitae Variant Classification Sherloc (09022015). Collection method: clinical testing. Allele origin: germline.
Comment: This sequence change replaces valine, which is neutral and non-polar, with aspartic acid, which is acidic and polar, at codon 202 of the TNFRSF1A protein (p.Val202Asp). This variant is not present in population databases (gnomAD no frequency). This missense change has been observed in individual(s) with TNF receptor-associated periodic fever syndrome (PMID: 18180277). It has also been observed to segregate with disease in related individuals. This variant is also known as V173D. ClinVar contains an entry for this variant (Variation ID: 97711). Advanced modeling of protein sequence and biophysical properties (such as structural, functional, and spatial information, amino acid conservation, physicochemical variation, residue mobility, and thermodynamic stability) has been performed at Invitae for this missense variant, however the output from this modeling did not meet the statistical confidence thresholds required to predict the impact of this variant on TNFRSF1A protein function. In summary, the available evidence is currently insufficient to determine the role of this variant in disease. Therefore, it has been classified as a Variant of Uncertain Significance.

Unité médicale des maladies autoinflammatoires, CHRU Montpellier
No classification provided. Condition: TNF receptor-associated periodic fever syndrome (TRAPS). Review status: no classification provided. Collection method: not provided. Allele origin: unknown. Not counted in ClinVar's aggregate classification.

Literature cited by the submitters: PubMed 18180277 (cited by Labcorp Genetics (formerly Invitae), Labcorp).